The following is an entry in ClinVar:

ClinVar aggregate classification (germline): Uncertain significance (1 of 4 stars; one submission).

Submission:

Labcorp Genetics (formerly Invitae), Labcorp
Classification: Uncertain significance. Last evaluated: 2025-09-21. Review status: criteria provided, single submitter. Criteria: Invitae Variant Classification Sherloc (09022015). Collection method: clinical testing. Allele origin: germline.
Comment: This sequence change replaces threonine, which is neutral and polar, with proline, which is neutral and non-polar, at codon 455 of the NFE2L2 protein (p.Thr455Pro). This variant is not present in population databases (gnomAD no frequency). This variant has not been reported in the literature in individuals affected with NFE2L2-related conditions. ClinVar contains an entry for this variant (Variation ID: 3690209). Invitae Evidence Modeling of protein sequence and biophysical properties (such as structural, functional, and spatial information, amino acid conservation, physicochemical variation, residue mobility, and thermodynamic stability) has been performed for this missense variant. However, the output from this modeling did not meet the statistical confidence thresholds required to predict the impact of this variant on NFE2L2 protein function. In summary, the available evidence is currently insufficient to determine the role of this variant in disease. Therefore, it has been classified as a Variant of Uncertain Significance.

NM_006164.5(NFE2L2):c.1363A>C (p.Thr455Pro)

Gene: NFE2L2 (NFE2 like bZIP transcription factor 2; minus strand). Cytogenetic location: 2q31.2.
Variant type: single nucleotide variant.
Coding change: c.1363A>C on transcript NM_006164.5 (MANE Select); coding-DNA position 1363, A replaced by C.
Protein change: p.Thr455Pro; replaces threonine 455 with proline.
Molecular consequence: missense variant.
Genome position (GRCh38, 1-based): chr2:177,231,240, T>G on the plus strand (A>C on the coding strand, the complement: NFE2L2 is on the minus strand). VCF-style: chr2-177231240-T-G. GRCh37 (hg19) VCF-style: chr2-178095968-T-G.
Other names: c.1315A>C, p.Thr439Pro (NM_001145412.3, NM_001313900.1, NM_001313901.1); c.1294A>C, p.Thr432Pro (NM_001145413.3); c.1273A>C, p.Thr425Pro (NM_001313902.2); c.1144A>C, p.Thr382Pro (NM_001313903.2); c.1063A>C, p.Thr355Pro (NM_001313904.1); short protein forms T382P, T439P, T355P, T455P, T425P, T432P.
Identifiers: ClinVar variation 3690209 (VCV003690209.2).